The following is an entry in ClinVar:

ClinVar aggregate classification (germline): Pathogenic/Likely pathogenic. Review status: criteria provided, multiple submitters, no conflicts (2 of 4 stars). 2 submissions from 2 submitters: Pathogenic (1); Likely pathogenic (1). Last evaluated 2023-12-22.

Conditions:
Inborn genetic diseases. Identifiers: MedGen C0950123, MeSH D030342.
Bethlem myopathy 1A. Also called: MYOPATHY, BENIGN CONGENITAL, WITH CONTRACTURES; Bethlem myopathy 1; Bethlem Muscular Dystrophy. Identifiers: Orphanet 610, MedGen CN029274, MONDO:0024530, OMIM 158810.

Submissions (2):

Labcorp Genetics (formerly Invitae), Labcorp
Classification: Pathogenic for Bethlem myopathy 1A. Last evaluated: 2023-12-22. Review status: criteria provided, single submitter. Criteria: Invitae Variant Classification Sherloc (09022015). Collection method: clinical testing. Allele origin: germline.
Comment: This sequence change replaces glycine, which is neutral and non-polar, with valine, which is neutral and non-polar, at codon 275 of the COL6A1 protein (p.Gly275Val). This variant is not present in population databases (gnomAD no frequency). This missense change has been observed in individual(s) with clinical features of COL6A1-related conditions (Invitae). ClinVar contains an entry for this variant (Variation ID: 520716). Advanced modeling of protein sequence and biophysical properties (such as structural, functional, and spatial information, amino acid conservation, physicochemical variation, residue mobility, and thermodynamic stability) performed at Invitae indicates that this missense variant is expected to disrupt COL6A1 protein function with a positive predictive value of 95%. This variant disrupts the triple helix domain of COL6A1. Glycine residues within the Gly-Xaa-Yaa repeats of the triple helix domain are required for the structure and stability of fibrillar collagens (PMID: 7695699, 8218237, 19344236). In COL6A1, variants at these glycine residues are significantly enriched in individuals with autosomal dominant disease (PMID: 15689448, 24038877) compared to the general population (ExAC). This variant disrupts the p.Gly275 amino acid residue in COL6A1. Other variant(s) that disrupt this residue have been observed in individuals with COL6A1-related conditions (PMID: 15955946, 27363342; Invitae), which suggests that this may be a clinically significant amino acid residue. For these reasons, this variant has been classified as Pathogenic.

Ambry Genetics
Classification: Likely pathogenic for Inborn genetic diseases. Last evaluated: 2015-07-16. Review status: criteria provided, single submitter. Criteria: Ambry exome assertion method (8-5-2015). Collection method: clinical testing. Allele origin: germline. Affected: yes. Observed: 1 variant allele.

Literature cited by the submitters: PubMed 7695699 (cited by Labcorp Genetics (formerly Invitae), Labcorp); PubMed 8218237 (cited by Labcorp Genetics (formerly Invitae), Labcorp); PubMed 19344236 (cited by Labcorp Genetics (formerly Invitae), Labcorp); PubMed 15689448 (cited by Labcorp Genetics (formerly Invitae), Labcorp); PubMed 24038877 (cited by Labcorp Genetics (formerly Invitae), Labcorp); PubMed 15955946 (cited by Labcorp Genetics (formerly Invitae), Labcorp); PubMed 27363342 (cited by Labcorp Genetics (formerly Invitae), Labcorp).

NM_001848.3(COL6A1):c.824G>T (p.Gly275Val)

Gene: COL6A1 (collagen type VI alpha 1 chain; plus strand). Cytogenetic location: 21q22.3.
Variant type: single nucleotide variant.
Coding change: c.824G>T on transcript NM_001848.3 (MANE Select); coding-DNA position 824, G replaced by T.
Protein change: p.Gly275Val; replaces glycine 275 with valine.
Molecular consequence: missense variant.
Genome position (GRCh38, 1-based): chr21:45,989,103, G>T. VCF-style: chr21-45989103-G-T. GRCh37 (hg19) VCF-style: chr21-47409017-G-T.
Other names: short protein forms G275V.
Identifiers: ClinVar variation 520716 (VCV000520716.13), dbSNP rs1556425468, ClinGen allele CA410521483.
Genomic context (GRCh38, chr21:45,989,103, plus strand): 5'-GAAACGGGGCTGCCCCAACCTTGACCTGTTTTGTGTTCCAGGGAGAACGAGGCAAGCCGG[G>T]GCTCCCAGGAGAGAAGGGAGAAGCCGGAGATCCTGTGAGTGCCTGACTGTGGGGTGGGGG-3'
Protein context (NP_001839.2, residues 265-285): PGFEGERGKP[Gly275Val]LPGEKGEAGD